The following is an entry in ClinVar:

NM_001166114.2(PNPLA6):c.2184+2T>G

Gene: PNPLA6 (patatin like domain 6, lysophospholipase; plus strand). Cytogenetic location: 19p13.2.
Variant type: single nucleotide variant.
Coding change: c.2184+2T>G on transcript NM_001166114.2 (MANE Select); the canonical splice donor site of the intron after coding-DNA position 2184, T replaced by G.
Molecular consequence: splice donor variant.
Genome position (GRCh38, 1-based): chr19:7,551,109, T>G. VCF-style: chr19-7551109-T-G. GRCh37 (hg19) VCF-style: chr19-7615995-T-G.
Other names: c.2067+2T>G (NM_006702.5, NM_001166113.1); c.1989+2T>G (NM_001166112.2); c.2211+2T>G (NM_001166111.2).
Identifiers: ClinVar variation 2180027 (VCV002180027.4), dbSNP rs2023624083, ClinGen allele CA403124886.

ClinVar aggregate classification (germline): Likely pathogenic (1 of 4 stars; one submission).

Conditions:
Hereditary spastic paraplegia 39 (SPG39). Also called: Spastic Paraplegia Type 39 (SPG39); SPASTIC PARAPLEGIA 39, AUTOSOMAL RECESSIVE. Identifiers: Orphanet 139480, MedGen C2677586, MONDO:0012787, OMIM 612020.

Allele frequency attached by ClinVar (database versions not stated): gnomAD exomes below 0.00001; gnomAD 0.00001.
gnomAD v4.1: 2 of 1,332,162 alleles (0.00015%); highest among the groups gnomAD compares: African/African-American, 0.0016%; no homozygotes.

Submission:

Labcorp Genetics (formerly Invitae), Labcorp
Classification: Likely pathogenic for Hereditary spastic paraplegia 39. Last evaluated: 2022-09-15. Review status: criteria provided, single submitter. Criteria: Invitae Variant Classification Sherloc (09022015). Collection method: clinical testing. Allele origin: germline.
Comment: This sequence change affects a donor splice site in intron 20 of the PNPLA6 gene. It is expected to disrupt RNA splicing. Variants that disrupt the donor or acceptor splice site typically lead to a loss of protein function (PMID: 16199547), and loss-of-function variants in PNPLA6 are known to be pathogenic (PMID: 24355708). This variant is not present in population databases (gnomAD no frequency). This variant has not been reported in the literature in individuals affected with PNPLA6-related conditions. Algorithms developed to predict the effect of sequence changes on RNA splicing suggest that this variant may disrupt the consensus splice site. In summary, the currently available evidence indicates that the variant is pathogenic, but additional data are needed to prove that conclusively. Therefore, this variant has been classified as Likely Pathogenic.

Literature cited by the submitters: PubMed 16199547; PubMed 24355708.